The following is an entry in ClinVar:

ClinVar aggregate classification (germline): Uncertain significance (1 of 4 stars; one submission).

Conditions:
Hereditary cancer-predisposing syndrome. Also called: Neoplastic Syndromes, Hereditary; Tumor predisposition; Hereditary Cancer Syndrome; Hereditary neoplastic syndrome. Identifiers: Orphanet 140162, MedGen C0027672, MeSH D009386, MONDO:0015356.

Submission:

Color Diagnostics, LLC DBA Color Health
Classification: Uncertain significance for Hereditary cancer-predisposing syndrome. Last evaluated: 2022-02-08. Review status: criteria provided, single submitter. Criteria: ACMG Guidelines, 2015. Collection method: clinical testing. Allele origin: germline.
Comment: This variant causes an A to G nucleotide substitution at the -10 position of intron 18 of the BRCA2 gene. This variant is predicted to create a cryptic splice acceptor site near the reference intron 18 splice acceptor site. To our knowledge, RNA and functional studies have not been reported for this variant. This variant has not been reported in individuals affected with hereditary cancer in the literature. This variant has not been identified in the general population by the Genome Aggregation Database (gnomAD). The available evidence is insufficient to determine the role of this variant in disease conclusively. Therefore, this variant is classified as a Variant of Uncertain Significance.

NM_000059.4(BRCA2):c.8332-10A>G

Gene: BRCA2 (BRCA2 DNA repair associated; plus strand). Cytogenetic location: 13q13.1.
Variant type: single nucleotide variant.
Coding change: c.8332-10A>G on transcript NM_000059.4 (MANE Select); 10 bases into the intron before coding-DNA position 8332, A replaced by G.
Molecular consequence: intron variant.
Genome position (GRCh38, 1-based): chr13:32,370,392, A>G. VCF-style: chr13-32370392-A-G. GRCh37 (hg19) VCF-style: chr13-32944529-A-G.
Other names: c.8332-10A>G (NM_001406720.1); c.8236-10A>G (NM_001406719.1); c.3400-10A>G (NM_001406721.1); c.1915-10A>G (NM_001406722.1).
Identifiers: ClinVar variation 2774953 (VCV002774953.2), dbSNP rs750680907, ClinGen allele CA2697551783.
Genomic context (GRCh38, chr13:32,370,392, plus strand): 5'-CTTATGATATCTGTAATAGAATTGAATACATATTTAACTACTAAATCAATATATTTATTA[A>G]TTTGTCCAGATTTCTGCTAACAGTACTCGGCCTGCTCGCTGGTATACCAAACTTGGATTC-3'